The following is an entry in ClinVar:

NM_015693.4(INTU):c.1597G>T (p.Asp533Tyr)

Gene: INTU (inturned planar cell polarity protein; plus strand). Cytogenetic location: 4q28.1.
Variant type: single nucleotide variant.
Coding change: c.1597G>T on transcript NM_015693.4 (MANE Select); coding-DNA position 1597, G replaced by T.
Protein change: p.Asp533Tyr; replaces aspartic acid 533 with tyrosine.
Molecular consequence: missense variant.
Genome position (GRCh38, 1-based): chr4:127,705,621, G>T. VCF-style: chr4-127705621-G-T. GRCh37 (hg19) VCF-style: chr4-128626776-G-T.
Other names: c.1597G>T (NM_015693.3); short protein forms D533Y.
Identifiers: ClinVar variation 1906030 (VCV001906030.6), dbSNP rs778962737, ClinGen allele CA3075145.
Genomic context (GRCh38, chr4:127,705,621, plus strand): 5'-AGACTTTTGCTCTTTGTGGTTAAATTCAAGGGTTATTTGATATGCAGTCATTTGCCCAAG[G>T]ATGATCTTATTGATATTGCCGTATACTGTCGCCACTATTGCCTGCTGCCTTTAGCAGCAA-3'
Protein context (NP_056508.2, residues 523-543): GYLICSHLPK[Asp533Tyr]DLIDIAVYCR

ClinVar aggregate classification (germline): Uncertain significance. Review status: criteria provided, multiple submitters, no conflicts (2 of 4 stars). 2 submissions from 2 submitters: Uncertain significance (2). Last evaluated 2023-12-21.

Conditions:
Inborn genetic diseases. Identifiers: MedGen C0950123, MeSH D030342.

Allele frequency attached by ClinVar (database versions not stated): gnomAD 0.00001; gnomAD exomes 0.00001; TOPMed 0.00003; ExAC 0.00005.
gnomAD v4.1: 13 of 1,613,778 alleles (0.00081%); highest among the groups gnomAD compares: East Asian, 0.027%; no homozygotes.

Submissions (2):

Ambry Genetics
Classification: Uncertain significance for Inborn genetic diseases. Last evaluated: 2023-12-21. Review status: criteria provided, single submitter. Criteria: Ambry Variant Classification Scheme 2023. Collection method: clinical testing. Allele origin: germline.

Labcorp Genetics (formerly Invitae), Labcorp
Classification: Uncertain significance. Last evaluated: 2022-07-19. Review status: criteria provided, single submitter. Criteria: Invitae Variant Classification Sherloc (09022015). Collection method: clinical testing. Allele origin: germline.
Comment: In summary, the available evidence is currently insufficient to determine the role of this variant in disease. Therefore, it has been classified as a Variant of Uncertain Significance. Algorithms developed to predict the effect of sequence changes on RNA splicing suggest that this variant may disrupt the consensus splice site. Algorithms developed to predict the effect of missense changes on protein structure and function (SIFT, PolyPhen-2, Align-GVGD) all suggest that this variant is likely to be disruptive. This variant has not been reported in the literature in individuals affected with INTU-related conditions. This variant is present in population databases (rs778962737, gnomAD 0.07%), and has an allele count higher than expected for a pathogenic variant. This sequence change replaces aspartic acid, which is acidic and polar, with tyrosine, which is neutral and polar, at codon 533 of the INTU protein (p.Asp533Tyr).